The following is an entry in ClinVar:

NM_181426.2(CCDC39):c.2431C>T (p.Arg811Cys)

Genes: CCDC39 (coiled-coil domain 39 molecular ruler complex subunit; minus strand), TTC14 (tetratricopeptide repeat domain 14; plus strand). Cytogenetic location: 3q26.33.
Variant type: single nucleotide variant.
Coding change: c.2431C>T on transcript NM_181426.2 (MANE Select); coding-DNA position 2431, C replaced by T.
Protein change: p.Arg811Cys; replaces arginine 811 with cysteine.
Molecular consequence: missense variant. On other transcripts: intron variant (1).
Genome position (GRCh38, 1-based): chr3:180,616,671, G>A on the plus strand (C>T on the coding strand, the complement: CCDC39 is on the minus strand). VCF-style: chr3-180616671-G-A. GRCh37 (hg19) VCF-style: chr3-180334459-G-A.
Other names: c.1775-709G>A (NM_001288582.2); short protein forms R811C.
Identifiers: ClinVar variation 981130 (VCV000981130.17), dbSNP rs574993914, ClinGen allele CA2715662.

ClinVar aggregate classification (germline): Uncertain significance. Review status: criteria provided, multiple submitters, no conflicts (2 of 4 stars). 2 submissions from 2 submitters: Uncertain significance (2). Last evaluated 2024-10-01.

Conditions:
Primary ciliary dyskinesia. Also called: Ciliary dyskinesia. Identifiers: Orphanet 244, MedGen C0008780, MONDO:0016575, HP:0012265.

Allele frequency attached by ClinVar (database versions not stated): gnomAD 0.00001 and 0.00002; gnomAD exomes 0.00007 and 0.00004; 1000 Genomes Project 30x 0.00016; 1000 Genomes Project 0.00020; TOPMed 0.00001; ExAC 0.00006.
gnomAD v4.1: 62 of 1,590,454 alleles (0.0039%); highest among the groups gnomAD compares: East Asian, 0.072%; no homozygotes.

Submissions (2):

CeGaT Center for Human Genetics Tuebingen
Classification: Uncertain significance. Last evaluated: 2024-10-01. Review status: criteria provided, single submitter. Criteria: CeGaT Center For Human Genetics Tuebingen Variant Classification Criteria Version 2. Collection method: clinical testing. Allele origin: germline. Affected: yes. Observed: 1 variant allele.
Comment: CCDC39: PM2, PM3, PP3

Labcorp Genetics (formerly Invitae), Labcorp
Classification: Uncertain significance for Primary ciliary dyskinesia. Last evaluated: 2022-02-12. Review status: criteria provided, single submitter. Criteria: Invitae Variant Classification Sherloc (09022015). Collection method: clinical testing. Allele origin: germline.
Comment: This sequence change replaces arginine, which is basic and polar, with cysteine, which is neutral and slightly polar, at codon 811 of the CCDC39 protein (p.Arg811Cys). This variant is present in population databases (rs574993914, gnomAD 0.03%). This missense change has been observed in individual(s) with CCDC39-related conditions (PMID: 33005176). In at least one individual the data is consistent with being in trans (on the opposite chromosome) from a pathogenic variant. Algorithms developed to predict the effect of missense changes on protein structure and function are either unavailable or do not agree on the potential impact of this missense change (SIFT: "Deleterious"; PolyPhen-2: "Probably Damaging"; Align-GVGD: "Class C0"). In summary, the available evidence is currently insufficient to determine the role of this variant in disease. Therefore, it has been classified as a Variant of Uncertain Significance.

Literature cited by the submitters: PubMed 33005176 (cited by Labcorp Genetics (formerly Invitae), Labcorp).